The following is an entry in ClinVar:

ClinVar aggregate classification (germline): Uncertain significance (1 of 4 stars; one submission).

Conditions:
ASH1L-related disorder. Also called: ASH1L-related condition.

gnomAD v4.1: 1 of 1,613,986 alleles (0.000062%); highest among the groups gnomAD compares: African/African-American, 0.0013%; no homozygotes.

Submission:

PreventionGenetics, part of Exact Sciences
Classification: Uncertain significance for ASH1L-related condition. Last evaluated: 2024-11-27. Review status: criteria provided, single submitter. Criteria: ACMG Guidelines, 2015. Collection method: clinical testing. Allele origin: germline.
Comment: The ASH1L c.1708A>C variant is predicted to result in the amino acid substitution p.Ser570Arg. To our knowledge, this variant has not been reported in the literature or in a large population database (gnomAD), indicating this variant is rare. At this time, the clinical significance of this variant is uncertain due to the absence of conclusive functional and genetic evidence.

NM_018489.3(ASH1L):c.1708A>C (p.Ser570Arg)

Gene: ASH1L (ASH1 like histone lysine methyltransferase; minus strand). Cytogenetic location: 1q22.
Variant type: single nucleotide variant.
Coding change: c.1708A>C on transcript NM_018489.3 (MANE Select); coding-DNA position 1708, A replaced by C.
Protein change: p.Ser570Arg; replaces serine 570 with arginine.
Molecular consequence: missense variant.
Genome position (GRCh38, 1-based): chr1:155,481,162, T>G on the plus strand (A>C on the coding strand, the complement: ASH1L is on the minus strand). VCF-style: chr1-155481162-T-G. GRCh37 (hg19) VCF-style: chr1-155450953-T-G.
Other names: c.1708A>C, p.Ser570Arg (NM_001366177.2); short protein forms S570R.
Identifiers: ClinVar variation 5001319 (VCV005001319.1).